The following is an entry in ClinVar:

NM_152743.4(BRAT1):c.2257C>T (p.Pro753Ser)

Gene: BRAT1 (BRCA1 associated ATM activator 1; minus strand). Cytogenetic location: 7p22.3.
Variant type: single nucleotide variant.
Coding change: c.2257C>T on transcript NM_152743.4 (MANE Select); coding-DNA position 2257, C replaced by T.
Protein change: p.Pro753Ser; replaces proline 753 with serine.
Molecular consequence: missense variant. On other transcripts: non-coding transcript variant (1).
Genome position (GRCh38, 1-based): chr7:2,538,278, G>A on the plus strand (C>T on the coding strand, the complement: BRAT1 is on the minus strand). VCF-style: chr7-2538278-G-A. GRCh37 (hg19) VCF-style: chr7-2577912-G-A.
Other names: c.2437C>T, p.Pro813Ser (NM_001350626.2); c.1732C>T, p.Pro578Ser (NM_001350627.2); short protein forms P578S, P813S, P753S.
Identifiers: ClinVar variation 1908653 (VCV001908653.2), dbSNP rs773060720, ClinGen allele CA4127414.

ClinVar aggregate classification (germline): Uncertain significance (1 of 4 stars; one submission).

Conditions:
Neonatal-onset encephalopathy with rigidity and seizures. Also called: Lethal neonatal spasticity-epileptic encephalopathy syndrome. Identifiers: Orphanet 435845, MedGen C3281029, MONDO:0013784, OMIM 614498.

Allele frequency attached by ClinVar (database versions not stated): gnomAD exomes below 0.00001; ExAC 0.00001.

Submission:

Labcorp Genetics (formerly Invitae), Labcorp
Classification: Uncertain significance for Neonatal-onset encephalopathy with rigidity and seizures. Last evaluated: 2022-08-16. Review status: criteria provided, single submitter. Criteria: Invitae Variant Classification Sherloc (09022015). Collection method: clinical testing. Allele origin: germline.
Comment: This sequence change replaces proline, which is neutral and non-polar, with serine, which is neutral and polar, at codon 753 of the BRAT1 protein (p.Pro753Ser). This variant is present in population databases (rs773060720, gnomAD no frequency). This variant has not been reported in the literature in individuals affected with BRAT1-related conditions. Algorithms developed to predict the effect of missense changes on protein structure and function (SIFT, PolyPhen-2, Align-GVGD) all suggest that this variant is likely to be tolerated. In summary, the available evidence is currently insufficient to determine the role of this variant in disease. Therefore, it has been classified as a Variant of Uncertain Significance.